The following is an entry in ClinVar:

ClinVar aggregate classification (germline): Uncertain significance. Review status: criteria provided, multiple submitters, no conflicts (2 of 4 stars). 2 submissions from 2 submitters: Uncertain significance (2). Last evaluated 2025-11-27.

Conditions:
Cardiovascular phenotype. Identifiers: MedGen CN230736.
RASopathy. Also called: Noonan spectrum disorder; rasopathies. Identifiers: Orphanet 536391, MedGen C5555857, MONDO:0021060.

Allele frequency attached by ClinVar (database versions not stated): gnomAD exomes below 0.00001; TOPMed below 0.00001.
gnomAD v4.1: 1 of 1,614,170 alleles (0.000062%); highest among the groups gnomAD compares: Non-Finnish European, 0.000085%; no homozygotes.

Submissions (2):

Labcorp Genetics (formerly Invitae), Labcorp
Classification: Uncertain significance for RASopathy. Last evaluated: 2025-11-27. Review status: criteria provided, single submitter. Criteria: Invitae Variant Classification Sherloc (09022015). Collection method: clinical testing. Allele origin: germline.
Comment: This sequence change replaces glutamine, which is neutral and polar, with lysine, which is basic and polar, at codon 882 of the CBL protein (p.Gln882Lys). This variant is present in population databases (no rsID available, gnomAD 0.0009%). This variant has not been reported in the literature in individuals affected with CBL-related conditions. ClinVar contains an entry for this variant (Variation ID: 1794224). Invitae Evidence Modeling of protein sequence and biophysical properties (such as structural, functional, and spatial information, amino acid conservation, physicochemical variation, residue mobility, and thermodynamic stability) indicates that this missense variant is not expected to disrupt CBL protein function with a negative predictive value of 95%. In summary, the available evidence is currently insufficient to determine the role of this variant in disease. Therefore, it has been classified as a Variant of Uncertain Significance.

Ambry Genetics
Classification: Uncertain significance for Cardiovascular phenotype. Last evaluated: 2022-04-19. Review status: criteria provided, single submitter. Criteria: Ambry Variant Classification Scheme 2023. Collection method: clinical testing. Allele origin: germline.
Comment: The p.Q882K variant (also known as c.2644C>A), located in coding exon 16 of the CBL gene, results from a C to A substitution at nucleotide position 2644. The glutamine at codon 882 is replaced by lysine, an amino acid with similar properties. This amino acid position is conserved. In addition, this alteration is predicted to be tolerated by in silico analysis. Since supporting evidence is limited at this time, the clinical significance of this alteration remains unclear.

NM_005188.4(CBL):c.2644C>A (p.Gln882Lys)

Gene: CBL (Cbl proto-oncogene; plus strand). Cytogenetic location: 11q23.3.
Variant type: single nucleotide variant.
Coding change: c.2644C>A on transcript NM_005188.4 (MANE Select); coding-DNA position 2644, C replaced by A.
Protein change: p.Gln882Lys; replaces glutamine 882 with lysine.
Molecular consequence: missense variant.
Genome position (GRCh38, 1-based): chr11:119,299,704, C>A. VCF-style: chr11-119299704-C-A. GRCh37 (hg19) VCF-style: chr11-119170414-C-A.
Other names: short protein forms Q882K.
Identifiers: ClinVar variation 1794224 (VCV001794224.6), dbSNP rs1415661404, ClinGen allele CA382933694.